The following is an entry in ClinVar:

ClinVar aggregate classification (germline): Uncertain significance. Review status: criteria provided, multiple submitters, no conflicts (2 of 4 stars). 2 submissions from 2 submitters: Uncertain significance (2). Last evaluated 2025-07-15.

Conditions:
TTN-related disorder. Also called: TTN-related disorders; TTN-related condition; TTN-related disease.
Cardiovascular phenotype. Identifiers: MedGen CN230736.

Allele frequency attached by ClinVar (database versions not stated): gnomAD exomes below 0.00001; ExAC 0.00001; gnomAD 0.00003; TOPMed 0.00005.
gnomAD v4.1: 9 of 1,613,302 alleles (0.00056%); highest among the groups gnomAD compares: African/African-American, 0.0053%; no homozygotes.

Submissions (2):

PreventionGenetics, part of Exact Sciences
Classification: Uncertain significance for TTN-related condition. Last evaluated: 2025-07-15. Review status: criteria provided, single submitter. Criteria: ACMG Guidelines, 2015. Collection method: clinical testing. Allele origin: germline.
Comment: The TTN c.97580G>A variant is predicted to result in the amino acid substitution p.Gly32527Asp. To our knowledge, this variant has not been reported in the literature. This variant is reported in 0.013% of alleles in individuals of African descent in gnomAD. At this time, the clinical significance of this variant is uncertain due to the absence of conclusive functional and genetic evidence.

Ambry Genetics
Classification: Uncertain significance for Cardiovascular phenotype. Last evaluated: 2019-07-16. Review status: criteria provided, single submitter. Criteria: Ambry Variant Classification Scheme 2023. Collection method: clinical testing. Allele origin: germline.
Comment: The p.G23462D variant (also known as c.70385G>A), located in coding exon 177 of the TTN gene, results from a G to A substitution at nucleotide position 70385. The glycine at codon 23462 is replaced by aspartic acid, an amino acid with similar properties. This amino acid position is highly conserved in available vertebrate species. In addition, the in silico prediction for this alteration is inconclusive. Since supporting evidence is limited at this time, the clinical significance of this alteration remains unclear.

NM_001267550.2(TTN):c.97580G>A (p.Gly32527Asp)

Genes: TTN (titin; minus strand), TTN-AS1 (TTN antisense RNA 1; plus strand). Cytogenetic location: 2q31.2.
Variant type: single nucleotide variant.
Coding change: c.97580G>A on transcript NM_001267550.2 (MANE Select); coding-DNA position 97580, G replaced by A.
Protein change: p.Gly32527Asp; replaces glycine 32527 with aspartic acid.
Molecular consequence: missense variant.
Genome position (GRCh38, 1-based): chr2:178,541,497, C>T on the plus strand (G>A on the coding strand, the complement: TTN is on the minus strand). VCF-style: chr2-178541497-C-T. GRCh37 (hg19) VCF-style: chr2-179406224-C-T.
Other names: c.92657G>A, p.Gly30886Asp (NM_001256850.1); c.70385G>A, p.Gly23462Asp (NM_003319.4); c.89876G>A, p.Gly29959Asp (NM_133378.4); c.70760G>A, p.Gly23587Asp (NM_133432.3); c.70961G>A, p.Gly23654Asp (NM_133437.4); short protein forms G23462D, G23587D, G29959D, G23654D, G30886D, G32527D.
Identifiers: ClinVar variation 1756809 (VCV001756809.3), dbSNP rs776701934, ClinGen allele CA1986522.